The following is an entry in ClinVar:

ClinVar aggregate classification (germline): Uncertain significance (1 of 4 stars; one submission).

Submission:

Labcorp Genetics (formerly Invitae), Labcorp
Classification: Uncertain significance. Last evaluated: 2023-07-29. Review status: criteria provided, single submitter. Criteria: Invitae Variant Classification Sherloc (09022015). Collection method: clinical testing. Allele origin: germline.
Comment: This sequence change replaces proline, which is neutral and non-polar, with alanine, which is neutral and non-polar, at codon 941 of the COL18A1 protein (p.Pro941Ala). This variant is not present in population databases (gnomAD no frequency). This variant has not been reported in the literature in individuals affected with COL18A1-related conditions. ClinVar contains an entry for this variant (Variation ID: 1442861). Experimental studies and prediction algorithms are not available or were not evaluated, and the functional significance of this variant is currently unknown. In summary, the available evidence is currently insufficient to determine the role of this variant in disease. Therefore, it has been classified as a Variant of Uncertain Significance.

NM_001379500.1(COL18A1):c.2821C>G (p.Pro941Ala)

Genes: COL18A1 (collagen type XVIII alpha 1 chain; plus strand), SLC19A1 (solute carrier family 19 member 1; minus strand). Cytogenetic location: 21q22.3.
Variant type: single nucleotide variant.
Coding change: c.2821C>G on transcript NM_001379500.1 (MANE Select); coding-DNA position 2821, C replaced by G.
Protein change: p.Pro941Ala; replaces proline 941 with alanine.
Molecular consequence: missense variant.
Genome position (GRCh38, 1-based): chr21:45,504,509, C>G. VCF-style: chr21-45504509-C-G. GRCh37 (hg19) VCF-style: chr21-46924423-C-G.
Other names: c.3361C>G, p.Pro1121Ala (NM_030582.4); c.4066C>G, p.Pro1356Ala (NM_130444.3); short protein forms P1356A, P941A, P1121A.
Identifiers: ClinVar variation 1442861 (VCV001442861.4), dbSNP rs950735501, ClinGen allele CA321921214.
Genomic context (GRCh38, chr21:45,504,509, plus strand): 5'-AAAGGCGAAAGGGGGGAGCCCGGGGGCGGCGGTTTCTTCGGCTCCAGCCTGCCCGGCCCC[C>G]CCGGCCCCCCAGGCCCCCCAGGCCCACGTGGCTACCCTGGGATTCCAGTAAGTCCCAGCC-3'
Protein context (NP_001366429.1, residues 931-951): GFFGSSLPGP[Pro941Ala]GPPGPPGPRG